The following is an entry in ClinVar:

ClinVar aggregate classification (germline): Pathogenic. Review status: reviewed by expert panel (3 of 4 stars). 4 submissions from 4 submitters: Pathogenic (1). 3 of the submissions do not count toward it. Last evaluated 2017-12-15.

Conditions:
Hereditary breast ovarian cancer syndrome. Also called: Hereditary breast and ovarian cancer syndrome; Hereditary breast and/or ovarian cancer syndrome; BRCA1- and BRCA2-Associated Hereditary Breast and Ovarian Cancer; Hereditary breast and ovarian cancer syndrome (HBOC); Hereditary breast and ovarian cancer; Breast and ovarian cancer. Identifiers: Orphanet 145, MedGen C0677776, MeSH D061325, MONDO:0003582. Disease mechanism: loss of function.
Breast-ovarian cancer, familial, susceptibility to, 2 (BROVCA2). Also called: BRCA2 Hereditary Breast and Ovarian Cancer. Identifiers: Orphanet 145, MedGen C2675520, MONDO:0012933, OMIM 612555. Disease mechanism: loss of function.
Hereditary cancer-predisposing syndrome. Also called: Hereditary neoplastic syndrome; Neoplastic Syndromes, Hereditary; Tumor predisposition; Hereditary Cancer Syndrome. Identifiers: Orphanet 140162, MedGen C0027672, MeSH D009386, MONDO:0015356.

Submissions (4):

Evidence-based Network for the Interpretation of Germline Mutant Alleles (ENIGMA)
Classification: Pathogenic for Breast-ovarian cancer, familial, susceptibility to, 2. Last evaluated: 2017-12-15. Review status: reviewed by expert panel. Criteria: ENIGMA BRCA1/2 Classification Criteria (2017-06-29). Collection method: curation. Allele origin: germline. Study: ENIGMA.
Comment: Variant allele predicted to encode a truncated non-functional protein.

Ambry Genetics
Classification: Pathogenic for Hereditary cancer-predisposing syndrome. Last evaluated: 2024-07-29. Review status: criteria provided, single submitter. Criteria: Ambry Variant Classification Scheme 2023. Collection method: clinical testing. Allele origin: germline. Not counted in ClinVar's aggregate classification.
Comment: The c.959delT pathogenic mutation, located in coding exon 9 of the BRCA2 gene, results from a deletion of one nucleotide at nucleotide position 959, causing a translational frameshift with a predicted alternate stop codon (p.L320Hfs*4). This variant is considered to be rare based on population cohorts in the Genome Aggregation Database (gnomAD). This alteration is expected to result in loss of function by premature protein truncation or nonsense-mediated mRNA decay. As such, this alteration is interpreted as a disease-causing mutation.

Color Diagnostics, LLC DBA Color Health
Classification: Pathogenic for Hereditary cancer-predisposing syndrome. Last evaluated: 2020-05-15. Review status: criteria provided, single submitter. Criteria: ACMG Guidelines, 2015. Collection method: clinical testing. Allele origin: germline. Not counted in ClinVar's aggregate classification.
Comment: This variant deletes 1 nucleotide in exon 10 of the BRCA2 gene, creating a frameshift and premature translation stop signal. This variant is expected to result in an absent or non-functional protein product. To our knowledge, this variant has not been reported in individuals affected with hereditary cancer in the literature. This variant has not been identified in the general population by the Genome Aggregation Database (gnomAD). Loss of BRCA2 function is a known mechanism of disease. Based on the available evidence, this variant is classified as Pathogenic.

Labcorp Genetics (formerly Invitae), Labcorp
Classification: Pathogenic for Hereditary breast ovarian cancer syndrome. Last evaluated: 2016-06-13. Review status: criteria provided, single submitter. Criteria: Invitae Variant Classification Sherloc (09022015). Collection method: clinical testing. Allele origin: germline. Not counted in ClinVar's aggregate classification.
Comment: While this particular variant has not been reported in the literature, truncating variants in BRCA2 are known to be pathogenic (PMID: 20104584). For these reasons, this variant has been classified as Pathogenic. This sequence change deletes 1 nucleotide from exon 10 of the BRCA2 mRNA (c.959delT), causing a frameshift at codon 320. This creates a premature translational stop signal (p.Leu320Hisfs*4) and is expected to result in an absent or disrupted protein product.

Literature cited by the submitters: PubMed 20104584 (cited by Labcorp Genetics (formerly Invitae), Labcorp).

NM_000059.4(BRCA2):c.959del (p.Leu320fs)

Gene: BRCA2 (BRCA2 DNA repair associated; plus strand). Cytogenetic location: 13q13.1.
Variant type: Deletion.
Coding change: c.959del on transcript NM_000059.4 (MANE Select); coding-DNA position 959, one base deleted (T; older notation c.959delT).
Protein change: p.Leu320fs; shifts the reading frame from leucine 320.
Molecular consequence: frameshift variant.
Genome position (GRCh38, 1-based): chr13:32,332,437, T deleted. VCF-style (leftmost placement, unchanged base first): chr13-32332436-CT-C. GRCh37 (hg19) VCF-style: chr13-32906573-CT-C.
Other names: c.959delT (NM_000059.3); short protein forms L320fs.
Identifiers: ClinVar variation 409531 (VCV000409531.13), dbSNP rs1060502454, ClinGen allele CA16613823.